The following is an entry in ClinVar:

ClinVar aggregate classification (germline): Uncertain significance (1 of 4 stars; one submission).

Submission:

CeGaT Center for Human Genetics Tuebingen
Classification: Uncertain significance. Last evaluated: 2023-05-01. Review status: criteria provided, single submitter. Criteria: CeGaT Center For Human Genetics Tuebingen Variant Classification Criteria Version 2. Collection method: clinical testing. Allele origin: germline. Affected: yes. Observed: 1 variant allele.
Comment: MAST1: PM2, PP2

NM_014975.3(MAST1):c.3563A>G (p.His1188Arg)

Gene: MAST1 (microtubule associated serine/threonine kinase 1; plus strand). Cytogenetic location: 19p13.13.
Variant type: single nucleotide variant.
Coding change: c.3563A>G on transcript NM_014975.3 (MANE Select); coding-DNA position 3563, A replaced by G.
Protein change: p.His1188Arg; replaces histidine 1188 with arginine.
Molecular consequence: missense variant.
Genome position (GRCh38, 1-based): chr19:12,873,720, A>G. VCF-style: chr19-12873720-A-G. GRCh37 (hg19) VCF-style: chr19-12984534-A-G.
Other names: short protein forms H1188R.
Identifiers: ClinVar variation 2649354 (VCV002649354.24), dbSNP rs2512544802, ClinGen allele CA404288229.